The following is an entry in ClinVar:

NM_001122681.2(SH3BP2):c.416C>T (p.Pro139Leu)

Gene: SH3BP2 (SH3 domain binding protein 2; plus strand). Cytogenetic location: 4p16.3.
Variant type: single nucleotide variant.
Coding change: c.416C>T on transcript NM_001122681.2 (MANE Select); coding-DNA position 416, C replaced by T.
Protein change: p.Pro139Leu; replaces proline 139 with leucine.
Molecular consequence: missense variant.
Genome position (GRCh38, 1-based): chr4:2,825,184, C>T. VCF-style: chr4-2825184-C-T. GRCh37 (hg19) VCF-style: chr4-2826911-C-T.
Other names: c.500C>T, p.Pro167Leu (NM_001145855.2); c.587C>T, p.Pro196Leu (NM_001145856.2); c.416C>T, p.Pro139Leu (NM_003023.4); short protein forms P167L, P139L, P196L.
Identifiers: ClinVar variation 2900073 (VCV002900073.3), dbSNP rs539701566, ClinGen allele CA2819067.

ClinVar aggregate classification (germline): Uncertain significance (1 of 4 stars; one submission).

Conditions:
Fibrous dysplasia of jaw (CRBM). Also called: Cherubism. Identifiers: Orphanet 184, MedGen C0008029, MONDO:0007315, OMIM 118400.

Allele frequency attached by ClinVar (database versions not stated): gnomAD 0.00002; ExAC 0.00003; 1000 Genomes Project 30x 0.00016; 1000 Genomes Project 0.00020.
gnomAD v4.1: 5 of 1,581,304 alleles (0.00032%); highest among the groups gnomAD compares: Admixed American, 0.0054%; no homozygotes.

Submission:

Labcorp Genetics (formerly Invitae), Labcorp
Classification: Uncertain significance for Fibrous dysplasia of jaw. Last evaluated: 2023-06-14. Review status: criteria provided, single submitter. Criteria: Invitae Variant Classification Sherloc (09022015). Collection method: clinical testing. Allele origin: germline.
Comment: Advanced modeling of protein sequence and biophysical properties (such as structural, functional, and spatial information, amino acid conservation, physicochemical variation, residue mobility, and thermodynamic stability) performed at Invitae indicates that this missense variant is not expected to disrupt SH3BP2 protein function. In summary, the available evidence is currently insufficient to determine the role of this variant in disease. Therefore, it has been classified as a Variant of Uncertain Significance. This variant has not been reported in the literature in individuals affected with SH3BP2-related conditions. The frequency data for this variant in the population databases is considered unreliable, as metrics indicate poor data quality at this position in the gnomAD database. This sequence change replaces proline, which is neutral and non-polar, with leucine, which is neutral and non-polar, at codon 139 of the SH3BP2 protein (p.Pro139Leu).